The following is an entry in ClinVar:

NC_000011.9:g.(?_27528379)_(27744859_?)del

Genes: BDNF (brain derived neurotrophic factor; minus strand), BDNF-AS (BDNF antisense RNA; plus strand). Cytogenetic location: 11p14.1.
Variant type: Deletion.
Identifiers: ClinVar variation 3244790 (VCV003244790.1).

ClinVar aggregate classification (germline): Uncertain significance (1 of 4 stars; one submission).

Submission:

Labcorp Genetics (formerly Invitae), Labcorp
Classification: Uncertain significance. Last evaluated: 2023-03-20. Review status: criteria provided, single submitter. Criteria: Invitae Variant Classification Sherloc (09022015). Collection method: clinical testing. Allele origin: unknown.
Comment: In summary, the available evidence is currently insufficient to determine the role of this variant in disease. Therefore, it has been classified as a Variant of Uncertain Significance. A similar copy number variant has been observed in individual(s) with neurodevelopmental disorder (PMID: 23044507). A gross deletion of the genomic region encompassing the full coding sequence of the BDNF gene has been identified. The current clinical and genetic evidence is not sufficient to establish whether loss-of-function variants in BDNF cause disease. The boundaries of this event are unknown as they extend beyond the assayed region for this gene and therefore may encompass additional genes.

Literature cited by the submitters: PubMed 23044507.